The following is an entry in ClinVar:

ClinVar aggregate classification (germline): Uncertain significance. Review status: criteria provided, multiple submitters, no conflicts (2 of 4 stars). 2 submissions from 2 submitters: Uncertain significance (2). Last evaluated 2024-12-04.

Conditions:
Mucopolysaccharidosis, MPS-III-D (MPS3D). Also called: N-ACETYLGLUCOSAMINE-6-SULFATASE DEFICIENCY; SANFILIPPO SYNDROME D; MPS III D; Mucopoly-saccharidosis type 3D; N-acetylglucosamine-6-sulfate sulfatase deficiency; MPS 3D. Identifiers: Orphanet 581, Orphanet 79272, MedGen C0086650, MONDO:0009658, OMIM 252940.

Submissions (2):

Mayo Clinic Laboratories, Mayo Clinic
Classification: Uncertain significance. Last evaluated: 2024-12-04. Review status: criteria provided, single submitter. Criteria: ACMG Guidelines, 2015. Collection method: clinical testing. Allele origin: germline. Observed: 1 variant allele.
Comment: PM2_supporting

Labcorp Genetics (formerly Invitae), Labcorp
Classification: Uncertain significance for Mucopolysaccharidosis, MPS-III-D. Last evaluated: 2024-10-15. Review status: criteria provided, single submitter. Criteria: Invitae Variant Classification Sherloc (09022015). Collection method: clinical testing. Allele origin: germline.
Comment: This sequence change replaces proline, which is neutral and non-polar, with leucine, which is neutral and non-polar, at codon 361 of the GNS protein (p.Pro361Leu). This variant is not present in population databases (gnomAD no frequency). This variant has not been reported in the literature in individuals affected with GNS-related conditions. ClinVar contains an entry for this variant (Variation ID: 2188711). An algorithm developed to predict the effect of missense changes on protein structure and function outputs the following: PolyPhen-2: "Benign". The leucine amino acid residue is found in multiple mammalian species, which suggests that this missense change does not adversely affect protein function. In summary, the available evidence is currently insufficient to determine the role of this variant in disease. Therefore, it has been classified as a Variant of Uncertain Significance.

NM_002076.4(GNS):c.1082C>T (p.Pro361Leu)

Gene: GNS (glucosamine (N-acetyl)-6-sulfatase; minus strand). Cytogenetic location: 12q14.3.
Variant type: single nucleotide variant.
Coding change: c.1082C>T on transcript NM_002076.4 (MANE Select); coding-DNA position 1082, C replaced by T.
Protein change: p.Pro361Leu; replaces proline 361 with leucine.
Molecular consequence: missense variant.
Genome position (GRCh38, 1-based): chr12:64,737,020, G>A on the plus strand (C>T on the coding strand, the complement: GNS is on the minus strand). VCF-style: chr12-64737020-G-A. GRCh37 (hg19) VCF-style: chr12-65130800-G-A.
Other names: p.Pro361Leu; short protein forms P361L.
Identifiers: ClinVar variation 2188711 (VCV002188711.4), dbSNP rs2539517765, ClinGen allele CA385605653.